The following is an entry in ClinVar:

NM_001378457.1(DMXL2):c.4731A>G (p.Thr1577=)

Gene: DMXL2 (Dmx like 2; minus strand). Cytogenetic location: 15q21.2.
Variant type: single nucleotide variant.
Coding change: c.4731A>G on transcript NM_001378457.1 (MANE Select); coding-DNA position 4731, A replaced by G.
Protein change: p.Thr1577=; no amino-acid change (threonine 1577 retained).
Molecular consequence: synonymous variant. On other transcripts: non-coding transcript variant (2), intron variant (1).
Genome position (GRCh38, 1-based): chr15:51,495,076, T>C on the plus strand (A>G on the coding strand, the complement: DMXL2 is on the minus strand). VCF-style: chr15-51495076-T-C. GRCh37 (hg19) VCF-style: chr15-51787273-T-C.
Other names: c.4731A>G, p.Thr1577= (NM_001174116.3, NM_001378458.1, NM_001378459.1 and 4 more transcripts); c.2823A>G, p.Thr941= (NM_001174117.3); c.4491A>G, p.Thr1497= (NM_001378464.1); c.2765-3329A>G (NM_001378460.1).
Identifiers: ClinVar variation 2645343 (VCV002645343.29), dbSNP rs771479927, ClinGen allele CA7561966.

ClinVar aggregate classification (germline): Likely benign. Review status: criteria provided, multiple submitters, no conflicts (2 of 4 stars). 4 submissions from 4 submitters: Likely benign (4). Last evaluated 2024-04-16.

Allele frequency attached by ClinVar (database versions not stated): gnomAD 0.00001; gnomAD exomes 0.00001; TOPMed 0.00002; ExAC 0.00004.
gnomAD v4.1: 20 of 1,613,426 alleles (0.0012%); highest among the groups gnomAD compares: Non-Finnish European, 0.0017%; no homozygotes.

Submissions (4):

Labcorp Genetics (formerly Invitae), Labcorp
Classification: Likely benign. Last evaluated: 2024-04-16. Review status: criteria provided, single submitter. Criteria: Invitae Variant Classification Sherloc (09022015). Collection method: clinical testing. Allele origin: germline.

Women's Health and Genetics/Laboratory Corporation of America, LabCorp
Classification: Likely benign. Last evaluated: 2024-01-23. Review status: criteria provided, single submitter. Criteria: LabCorp Variant Classification Summary - May 2015. Collection method: clinical testing. Allele origin: germline.
Comment: Variant summary: DMXL2 c.4731A>G alters a non-conserved nucleotide resulting in a synonymous change. Consensus agreement among computation tools predict no significant impact on normal splicing. However, these predictions have yet to be confirmed by functional studies. The variant allele was found at a frequency of 2.8e-05 in 250808 control chromosomes. The available data on variant occurrences in the general population are insufficient to allow any conclusion about variant significance. To our knowledge, no occurrence of c.4731A>G in individuals affected with DMXL2-Related Disorders and no experimental evidence demonstrating its impact on protein function have been reported. ClinVar contains an entry for this variant (Variation ID: 2645343). Based on the evidence outlined above, the variant was classified as likely benign.

Blueprint Genetics
Classification: Likely benign. Last evaluated: 2022-05-25. Review status: criteria provided, single submitter. Criteria: ACMG Guidelines, 2015. Collection method: clinical testing. Allele origin: germline.

CeGaT Center for Human Genetics Tuebingen
Classification: Likely benign. Last evaluated: 2022-05-01. Review status: criteria provided, single submitter. Criteria: CeGaT Center For Human Genetics Tuebingen Variant Classification Criteria Version 2. Collection method: clinical testing. Allele origin: germline. Affected: yes. Observed: 1 variant allele.
Comment: DMXL2: BP4, BP7